The following is an entry in ClinVar:

NM_000284.4(PDHA1):c.1069_1114dup (p.Asp372delinsAlaTer)

Gene: PDHA1 (pyruvate dehydrogenase E1 subunit alpha 1; plus strand). Cytogenetic location: Xp22.12.
Variant type: Duplication.
Coding change: c.1069_1114dup on transcript NM_000284.4 (MANE Select); coding-DNA positions 1069 to 1114, 46 bases duplicated.
Protein change: p.Asp372delinsAlaTer.
Molecular consequence: nonsense.
Genome position (GRCh38, 1-based): chrX:19,359,549-19,359,594, 46 bases duplicated. GRCh37 (hg19): chrX:19,377,667-19,377,712.
Other names: c.1183_1228dup, p.Asp410delinsAlaTer (NM_001173454.2); c.1090_1135dup, p.Asp379delinsAlaTer (NM_001173455.2); c.976_1021dup, p.Asp341delinsAlaTer (NM_001173456.2).
Identifiers: ClinVar variation 4070441 (VCV004070441.1).

ClinVar aggregate classification (germline): Pathogenic (0 of 4 stars; one submission).

Conditions:
Pyruvate dehydrogenase E1-alpha deficiency (PDHAD). Also called: ATAXIA, INTERMITTENT, WITH PYRUVATE DEHYDROGENASE DEFICIENCY; ATAXIA WITH LACTIC ACIDOSIS I; ATAXIA, INTERMITTENT, WITH ABNORMAL PYRUVATE METABOLISM; Ataxia, intermittent, with pyruvate dehydrogenase, or decarboxylase, deficiency. Identifiers: Orphanet 79243, MedGen C1839413, MONDO:0010717, OMIM 312170.

Submission:

PDHA1 Study Group, University Children’s Hospital, Paracelsus Medical University
Classification: Pathogenic for Pyruvate dehydrogenase E1-alpha deficiency. Last evaluated: 2024-10-15. Review status: no assertion criteria provided. Collection method: research. Allele origin: germline. Affected: yes. Observed: 1 variant allele.
Comment: The NM_000284.3:c.1069_1114dup (p.Asp372delinsAlaTer) change is a nonsense variant in PDHA1 gene. This variant is predicted to escape nonsense-mediated decay (NMD). Last literature search: July 12, 2024. This variant is absent or extremely rare in population-based cohorts in the Genome Aggregation Database (gnomAD). Individuals harboring this variant presented with clinical features compatible with PDHA1-related PDHc deficiency. In summary, this variant meets criteria to be classified as pathogenic (P) for PDHA1-related PDHc deficiency based on the ACMG/AMP criteria applied: PVS1, PM2, PM7 (last assessment October 15, 2024).

Literature cited by the submitters: DOI 10.1093/brain/awaf430.